The following is an entry in ClinVar:

Conditions:
Breast-ovarian cancer, familial, susceptibility to, 1 (BROVCA1). Also called: BRCA1 Hereditary Breast and Ovarian Cancer; OVARIAN CANCER, SUSCEPTIBILITY TO. Identifiers: Orphanet 145, MedGen C2676676, MONDO:0011450, OMIM 604370. Disease mechanism: loss of function.

Submission:

Brotman Baty Institute, University of Washington
No classification provided (evidence only). Condition: Breast-ovarian cancer, familial 1. Review status: no classification provided. Collection method: in vitro. Allele origin: not applicable. Functional consequence: function_uncertain_variant.
ClinVar note: "not provided" was previously submitted as the classification for the variant. However, the classification appeared to be based only on an observation of functional data so it was converted to no classification on 2025-07-30.

NM_007294.4(BRCA1):c.5079T>A (p.Ala1693=)

Gene: BRCA1 (BRCA1 DNA repair associated; minus strand). Cytogenetic location: 17q21.31.
Variant type: single nucleotide variant.
Coding change: c.5079T>A on transcript NM_007294.4 (MANE Select); coding-DNA position 5079, T replaced by A.
Protein change: p.Ala1693=; no amino-acid change (alanine 1693 retained).
Molecular consequence: synonymous variant. On other transcripts: intron variant (2).
Genome position (GRCh38, 1-based): chr17:43,063,947, A>T on the plus strand (T>A on the coding strand, the complement: BRCA1 is on the minus strand). VCF-style: chr17-43063947-A-T. GRCh37 (hg19) VCF-style: chr17-41215964-A-T.
Other names: c.4866T>A, p.Ala1622= (NM_001407571.1, NM_001407894.1, NM_001407895.1 and 12 more transcripts); c.5145T>A, p.Ala1715= (NM_001407581.1, NM_001407582.1); c.5142T>A, p.Ala1714= (NM_001407583.1, NM_001407585.1, NM_001407587.1 and 1 more transcripts); c.5139T>A, p.Ala1713= (NM_001407590.1, NM_001407591.1); c.5079T>A, p.Ala1693= (NM_001407593.1, NM_001407594.1, NM_001407596.1 and 7 more transcripts); c.5076T>A, p.Ala1692= (NM_001407610.1, NM_001407611.1, NM_001407612.1 and 17 more transcripts); c.5073T>A, p.Ala1691= (NM_001407627.1, NM_001407628.1, NM_001407629.1 and 14 more transcripts); c.5070T>A, p.Ala1690= (NM_001407644.1, NM_001407645.1); and 73 more.
Identifiers: ClinVar variation 867622 (VCV000867622.3), dbSNP rs2051936328, ClinGen allele CA500146218.
Genomic context (GRCh38, chr17:43,063,947, plus strand): 5'-TACCCATTTTCCTCCCGCAATTCCTAGAAAATATTTCAGTGTCCGTTCACACACAAACTC[A>T]GCATCTGCAGAATGAAAAACACTCAAAGGATTAGAAGTTGAAAACAAAATCAGGAAGTGC-3'
Protein context (NP_009225.1, residues 1683-1703): ETTHVVMKTD[Ala1693=]EFVCERTLKY